The following is an entry in ClinVar:

NM_007294.4(BRCA1):c.4061dup (p.Asn1354fs)

Genes: BRCA1 (BRCA1 DNA repair associated; minus strand), LOC126862571 (BRD4-independent group 4 enhancer GRCh37_chr17:41243136-41244335; plus strand). Cytogenetic location: 17q21.31.
Variant type: Duplication.
Coding change: c.4061dup on transcript NM_007294.4 (MANE Select); coding-DNA position 4061, one base duplicated (A; older notation c.4061dupA).
Protein change: p.Asn1354fs; shifts the reading frame from asparagine 1354.
Molecular consequence: frameshift variant. On other transcripts: intron variant (135).
Genome position (GRCh38, 1-based): chr17:43,091,470, T duplicated on the plus strand (A on the coding strand, the reverse complement: BRCA1 is on the minus strand); the first of 4 consecutive T bases (chr17:43,091,470-43,091,473); duplicating any one gives the same sequence. VCF-style (leftmost placement, unchanged base first): chr17-43091469-A-AT. GRCh37 (hg19) VCF-style: chr17-41243486-A-AT.
Other names: c.4058dup, p.Asn1353fs (NM_001407861.1, NM_001407627.1, NM_001407628.1 and 22 more transcripts); c.3860dup, p.Asn1287fs (NM_001407862.1); c.3857dup, p.Asn1286fs (NM_001407874.1, NM_001407875.1); c.3938dup, p.Asn1313fs (NM_001407863.1, NM_001407648.1, NM_001407664.1 and 19 more transcripts); c.3851dup, p.Asn1284fs (NM_001407879.1, NM_001407886.1, NM_001407881.1 and 13 more transcripts); c.4061dup, p.Asn1354fs (NM_001407625.1, NM_001407626.1, NM_001407639.1 and 30 more transcripts); c.4052dup, p.Asn1351fs (NM_001407646.1, NM_001407647.1); c.3935dup, p.Asn1312fs (NM_001407649.1, NM_001407670.1, NM_001407671.1 and 11 more transcripts); and 42 more; short protein forms N1186fs, N1242fs, N1243fs, N1286fs, N1312fs, N1313fs, N1354fs, N1227fs.
Identifiers: ClinVar variation 3481866 (VCV003481866.1).

ClinVar aggregate classification (germline): Pathogenic (1 of 4 stars; one submission).

Conditions:
Hereditary cancer-predisposing syndrome. Also called: Tumor predisposition; Neoplastic Syndromes, Hereditary; Hereditary Cancer Syndrome; Hereditary neoplastic syndrome. Identifiers: Orphanet 140162, MedGen C0027672, MeSH D009386, MONDO:0015356.

Submission:

Ambry Genetics
Classification: Pathogenic for Hereditary cancer-predisposing syndrome. Last evaluated: 2024-10-15. Review status: criteria provided, single submitter. Criteria: Ambry Variant Classification Scheme 2023. Collection method: clinical testing. Allele origin: germline.
Comment: The c.4061dupA pathogenic mutation, located in coding exon 9 of the BRCA1 gene, results from a duplication of A at nucleotide position 4061, causing a translational frameshift with a predicted alternate stop codon (p.N1354Kfs*2). This variant is considered to be rare based on population cohorts in the Genome Aggregation Database (gnomAD). This alteration is expected to result in loss of function by premature protein truncation or nonsense-mediated mRNA decay. As such, this alteration is interpreted as a disease-causing mutation.